The following is an entry in ClinVar:

NM_001376.5(DYNC1H1):c.3157-3C>A

Gene: DYNC1H1 (dynein cytoplasmic 1 heavy chain 1; plus strand). Cytogenetic location: 14q32.31.
Variant type: single nucleotide variant.
Coding change: c.3157-3C>A on transcript NM_001376.5 (MANE Select); 3 bases into the intron before coding-DNA position 3157, C replaced by A.
Molecular consequence: intron variant.
Genome position (GRCh38, 1-based): chr14:101,994,670, C>A. VCF-style: chr14-101994670-C-A. GRCh37 (hg19) VCF-style: chr14-102461007-C-A.
Identifiers: ClinVar variation 2764760 (VCV002764760.3), dbSNP rs2503714608, ClinGen allele CA2575626587.
Genomic context (GRCh38, chr14:101,994,670, plus strand): 5'-AGGTGCCAGTATTCTACAAAATGAAAACTCAAACTATTATTTAACTGTGTTCTTCATTTG[C>A]AGGTTTGGCTTCAGTATCAGTGTTTATGGGATATGCAAGCTGAAAACATCTATAACAGAC-3'

ClinVar aggregate classification (germline): Uncertain significance (1 of 4 stars; one submission).

Conditions:
Charcot-Marie-Tooth disease axonal type 2O. Also called: CHARCOT-MARIE-TOOTH NEUROPATHY, AXONAL, TYPE 2O; CHARCOT-MARIE-TOOTH DISEASE, AXONAL, AUTOSOMAL DOMINANT, TYPE 2O; Charcot-Marie-Tooth Neuropathy Type 2O; Charcot-Marie-Tooth disease, axonal, type 20. Identifiers: Orphanet 284232, MedGen C3280220, MONDO:0013644, OMIM 614228.

Submission:

Labcorp Genetics (formerly Invitae), Labcorp
Classification: Uncertain significance for Charcot-Marie-Tooth disease axonal type 2O. Last evaluated: 2023-05-09. Review status: criteria provided, single submitter. Criteria: Invitae Variant Classification Sherloc (09022015). Collection method: clinical testing. Allele origin: germline.
Comment: This sequence change falls in intron 12 of the DYNC1H1 gene. It does not directly change the encoded amino acid sequence of the DYNC1H1 protein. It affects a nucleotide within the consensus splice site. This variant is not present in population databases (gnomAD no frequency). This variant has not been reported in the literature in individuals affected with DYNC1H1-related conditions. Variants that disrupt the consensus splice site are a relatively common cause of aberrant splicing (PMID: 17576681, 9536098). Algorithms developed to predict the effect of sequence changes on RNA splicing suggest that this variant is not likely to affect RNA splicing. In summary, the available evidence is currently insufficient to determine the role of this variant in disease. Therefore, it has been classified as a Variant of Uncertain Significance.

Literature cited by the submitters: PubMed 17576681; PubMed 9536098.